The following is an entry in ClinVar:

ClinVar aggregate classification (germline): Uncertain significance (1 of 4 stars; one submission).

Submission:

GeneDx
Classification: Uncertain significance. Last evaluated: 2024-08-09. Review status: criteria provided, single submitter. Criteria: GeneDx Variant Classification Process June 2021. Collection method: clinical testing. Allele origin: germline. Affected: yes.
Comment: Frameshift variant predicted to result in protein truncation or nonsense mediated decay in a gene or region of a gene for which loss of function is not a well-established mechanism of disease; Has not been previously published as pathogenic or benign to our knowledge

NM_014687.4(RUBCN):c.607_608del (p.Lys203fs)

Gene: RUBCN (rubicon autophagy regulator; minus strand). Cytogenetic location: 3q29.
Variant type: Deletion.
Coding change: c.607_608del on transcript NM_014687.4 (MANE Select); coding-DNA positions 607 to 608, 2 bases deleted (AA; older notation c.607_608delAA).
Protein change: p.Lys203fs; shifts the reading frame from lysine 203.
Molecular consequence: frameshift variant.
Genome position (GRCh38, 1-based): chr3:197,701,827-197,701,828, TT deleted on the plus strand (AA on the coding strand, the reverse complement: RUBCN is on the minus strand); deleting any 2 consecutive bases within chr3:197,701,827-197,701,829 gives the same sequence; the c. name uses the placement nearest the transcript's 3' end. VCF-style (leftmost placement, unchanged base first): chr3-197701826-CTT-C. GRCh37 (hg19) VCF-style: chr3-197428697-CTT-C.
Other names: c.427_428del, p.Lys143fs (NM_001145642.5); c.607_608del, p.Lys203fs (NM_001346873.2); short protein forms K143fs, K203fs.
Identifiers: ClinVar variation 3603194 (VCV003603194.1).
Genomic context (GRCh38, chr3:197,701,826, plus strand): 5'-CTGAGCATAGCTGTTTGGAGGGGTGTATGTGGAACTGGGCAGGGCTGTCAGGCTCTGGCT[CTT>C]TGTCACCAGGAGCGGGCTCTCGTGCTTTCTGGCAAACTAAAAAGCAAAACAAAACCAAAA-3'